The following is an entry in ClinVar:

ClinVar aggregate classification (germline): Uncertain significance (1 of 4 stars; one submission).

Conditions:
Cornelia de Lange syndrome 1 (CDLS1). Also called: TYPUS DEGENERATIVUS AMSTELODAMENSIS; Brachmann de Lange syndrome; NIPBL-Related Cornelia de Lange Syndrome. Identifiers: Orphanet 199, MedGen C4551851, MONDO:0007387, OMIM 122470.

Submission:

Labcorp Genetics (formerly Invitae), Labcorp
Classification: Uncertain significance for Cornelia de Lange syndrome 1. Last evaluated: 2025-07-06. Review status: criteria provided, single submitter. Criteria: Invitae Variant Classification Sherloc (09022015). Collection method: clinical testing. Allele origin: germline.
Comment: This sequence change replaces isoleucine, which is neutral and non-polar, with threonine, which is neutral and polar, at codon 377 of the NIPBL protein (p.Ile377Thr). This variant is not present in population databases (gnomAD no frequency). This variant has not been reported in the literature in individuals affected with NIPBL-related conditions. Invitae Evidence Modeling of protein sequence and biophysical properties (such as structural, functional, and spatial information, amino acid conservation, physicochemical variation, residue mobility, and thermodynamic stability) indicates that this missense variant is not expected to disrupt NIPBL protein function with a negative predictive value of 95%. In summary, the available evidence is currently insufficient to determine the role of this variant in disease. Therefore, it has been classified as a Variant of Uncertain Significance.

NM_133433.4(NIPBL):c.1130T>C (p.Ile377Thr)

Gene: NIPBL (NIPBL cohesin loading factor; plus strand). Cytogenetic location: 5p13.2.
Variant type: single nucleotide variant.
Coding change: c.1130T>C on transcript NM_133433.4 (MANE Select); coding-DNA position 1130, T replaced by C.
Protein change: p.Ile377Thr; replaces isoleucine 377 with threonine.
Molecular consequence: missense variant.
Genome position (GRCh38, 1-based): chr5:36,976,037, T>C. VCF-style: chr5-36976037-T-C. GRCh37 (hg19) VCF-style: chr5-36976139-T-C.
Other names: c.1130T>C, p.Ile377Thr (NM_001438586.1, NM_015384.5); short protein forms I377T.
Identifiers: ClinVar variation 4802717 (VCV004802717.1).